The following is an entry in ClinVar:

ClinVar aggregate classification (germline): Uncertain significance (1 of 4 stars; one submission).

Allele frequency attached by ClinVar (database versions not stated): gnomAD exomes below 0.00001.
gnomAD v4.1: 1 of 1,614,150 alleles (0.000062%); highest among the groups gnomAD compares: South Asian, 0.0011%; no homozygotes.

Submission:

Labcorp Genetics (formerly Invitae), Labcorp
Classification: Uncertain significance. Last evaluated: 2022-02-22. Review status: criteria provided, single submitter. Criteria: Invitae Variant Classification Sherloc (09022015). Collection method: clinical testing. Allele origin: germline.
Comment: This sequence change replaces asparagine, which is neutral and polar, with serine, which is neutral and polar, at codon 483 of the FAT4 protein (p.Asn483Ser). This variant is not present in population databases (gnomAD no frequency). This variant has not been reported in the literature in individuals affected with FAT4-related conditions. Advanced modeling of protein sequence and biophysical properties (such as structural, functional, and spatial information, amino acid conservation, physicochemical variation, residue mobility, and thermodynamic stability) performed at Invitae indicates that this missense variant is not expected to disrupt FAT4 protein function. In summary, the available evidence is currently insufficient to determine the role of this variant in disease. Therefore, it has been classified as a Variant of Uncertain Significance.

NM_001291303.3(FAT4):c.1448A>G (p.Asn483Ser)

Gene: FAT4 (FAT atypical cadherin 4; plus strand). Cytogenetic location: 4q28.1.
Variant type: single nucleotide variant.
Coding change: c.1448A>G on transcript NM_001291303.3 (MANE Select); coding-DNA position 1448, A replaced by G.
Protein change: p.Asn483Ser; replaces asparagine 483 with serine.
Molecular consequence: missense variant.
Genome position (GRCh38, 1-based): chr4:125,317,859, A>G. VCF-style: chr4-125317859-A-G. GRCh37 (hg19) VCF-style: chr4-126239014-A-G.
Other names: c.1448A>G, p.Asn483Ser (NM_001291285.3, NM_024582.6); short protein forms N483S.
Identifiers: ClinVar variation 1409090 (VCV001409090.3), dbSNP rs2125940248, ClinGen allele CA358117927.